The following is an entry in ClinVar:

ClinVar aggregate classification (germline): Uncertain significance. Review status: criteria provided, multiple submitters, no conflicts (2 of 4 stars). 2 submissions from 2 submitters: Uncertain significance (2). Last evaluated 2022-03-29.

Conditions:
Inborn genetic diseases. Identifiers: MedGen C0950123, MeSH D030342.

Allele frequency attached by ClinVar (database versions not stated): gnomAD 0.00001; gnomAD exomes 0.00001; ExAC 0.00002; TOPMed 0.00002; ESP Exome Variant Server 0.00016.
gnomAD v4.1: 17 of 1,586,096 alleles (0.0011%); highest among the groups gnomAD compares: Non-Finnish European, 0.0014%; no homozygotes.

Submissions (2):

Labcorp Genetics (formerly Invitae), Labcorp
Classification: Uncertain significance. Last evaluated: 2022-03-29. Review status: criteria provided, single submitter. Criteria: Invitae Variant Classification Sherloc (09022015). Collection method: clinical testing. Allele origin: germline.
Comment: In summary, the available evidence is currently insufficient to determine the role of this variant in disease. Therefore, it has been classified as a Variant of Uncertain Significance. Algorithms developed to predict the effect of missense changes on protein structure and function are either unavailable or do not agree on the potential impact of this missense change (SIFT: "Deleterious"; PolyPhen-2: "Not Available"; Align-GVGD: "Class C65"). This variant has not been reported in the literature in individuals affected with ACAN-related conditions. This variant is present in population databases (rs376508432, gnomAD 0.007%). This sequence change replaces arginine, which is basic and polar, with cysteine, which is neutral and slightly polar, at codon 343 of the ACAN protein (p.Arg343Cys).

Ambry Genetics
Classification: Uncertain significance for Inborn genetic diseases. Last evaluated: 2021-08-12. Review status: criteria provided, single submitter. Criteria: Ambry Variant Classification Scheme 2023. Collection method: clinical testing. Allele origin: germline.

NM_001369268.1(ACAN):c.1027C>T (p.Arg343Cys)

Gene: ACAN (aggrecan; plus strand). Cytogenetic location: 15q26.1.
Variant type: single nucleotide variant.
Coding change: c.1027C>T on transcript NM_001369268.1 (MANE Select); coding-DNA position 1027, C replaced by T.
Protein change: p.Arg343Cys; replaces arginine 343 with cysteine.
Molecular consequence: missense variant.
Genome position (GRCh38, 1-based): chr15:88,843,624, C>T. VCF-style: chr15-88843624-C-T. GRCh37 (hg19) VCF-style: chr15-89386855-C-T.
Other names: c.1027C>T, p.Arg343Cys (NM_001135.4, NM_001411096.1, NM_001411097.1 and 1 more transcripts); short protein forms R343C.
Identifiers: ClinVar variation 2049105 (VCV002049105.5), dbSNP rs376508432, ClinGen allele CA7719428.
Genomic context (GRCh38, chr15:88,843,624, plus strand): 5'-CTGGGCGTGAGGACCGTCTACGTGCATGCCAACCAGACGGGCTACCCCGACCCCTCATCC[C>T]GCTACGACGCCATCTGCTACACAGGTGGGGCACGGCTGGTGGTGGGAAGGGAGTTCATGC-3'
Protein context (NP_001356197.1, residues 333-353): NQTGYPDPSS[Arg343Cys]YDAICYTGED